The following is an entry in ClinVar:

ClinVar aggregate classification (germline): Uncertain significance (1 of 4 stars; one submission).

gnomAD v4.1: 3 of 1,613,094 alleles (0.00019%); highest among the groups gnomAD compares: African/African-American, 0.0013%; no homozygotes.

Submission:

Labcorp Genetics (formerly Invitae), Labcorp
Classification: Uncertain significance. Last evaluated: 2024-08-10. Review status: criteria provided, single submitter. Criteria: Invitae Variant Classification Sherloc (09022015). Collection method: clinical testing. Allele origin: germline.
Comment: This sequence change falls in intron 8 of the SYT2 gene. It does not directly change the encoded amino acid sequence of the SYT2 protein. It affects a nucleotide within the consensus splice site. This variant is present in population databases (rs746065482, gnomAD 0.008%). This variant has not been reported in the literature in individuals affected with SYT2-related conditions. Variants that disrupt the consensus splice site are a relatively common cause of aberrant splicing (PMID: 17576681, 9536098). Algorithms developed to predict the effect of sequence changes on RNA splicing suggest that this variant is not likely to affect RNA splicing. In summary, the available evidence is currently insufficient to determine the role of this variant in disease. Therefore, it has been classified as a Variant of Uncertain Significance.

Literature cited by the submitters: PubMed 17576681; PubMed 9536098.

NM_177402.5(SYT2):c.1053+6G>A

Gene: SYT2 (synaptotagmin 2; minus strand). Cytogenetic location: 1q32.1.
Variant type: single nucleotide variant.
Coding change: c.1053+6G>A on transcript NM_177402.5 (MANE Select); 6 bases into the intron after coding-DNA position 1053, G replaced by A.
Molecular consequence: intron variant.
Genome position (GRCh38, 1-based): chr1:202,599,212, C>T on the plus strand (G>A on the coding strand, the complement: SYT2 is on the minus strand). VCF-style: chr1-202599212-C-T. GRCh37 (hg19) VCF-style: chr1-202568340-C-T.
Other names: c.1053+6G>A (NM_001136504.1).
Identifiers: ClinVar variation 3700580 (VCV003700580.2).